The following is an entry in ClinVar:

ClinVar aggregate classification (germline): Uncertain significance. Review status: criteria provided, multiple submitters, no conflicts (2 of 4 stars). 2 submissions from 2 submitters: Uncertain significance (2). Last evaluated 2025-08-10.

Conditions:
Hereditary cancer-predisposing syndrome. Also called: Tumor predisposition; Hereditary Cancer Syndrome; Hereditary neoplastic syndrome; Neoplastic Syndromes, Hereditary. Identifiers: Orphanet 140162, MedGen C0027672, MeSH D009386, MONDO:0015356.

gnomAD v4.1: 3 of 1,614,082 alleles (0.00019%); highest among the groups gnomAD compares: Non-Finnish European, 0.00025%; no homozygotes.

Submissions (2):

Labcorp Genetics (formerly Invitae), Labcorp
Classification: Uncertain significance. Last evaluated: 2025-08-10. Review status: criteria provided, single submitter. Criteria: Invitae Variant Classification Sherloc (09022015). Collection method: clinical testing. Allele origin: germline.
Comment: This sequence change replaces phenylalanine, which is neutral and non-polar, with cysteine, which is neutral and slightly polar, at codon 160 of the MSH3 protein (p.Phe160Cys). This variant is not present in population databases (gnomAD no frequency). This variant has not been reported in the literature in individuals affected with MSH3-related conditions. ClinVar contains an entry for this variant (Variation ID: 2089736). An algorithm developed to predict the effect of missense changes on protein structure and function outputs the following: PolyPhen-2: "Benign". The cysteine amino acid residue is found in multiple mammalian species, which suggests that this missense change does not adversely affect protein function. In summary, the available evidence is currently insufficient to determine the role of this variant in disease. Therefore, it has been classified as a Variant of Uncertain Significance.

Ambry Genetics
Classification: Uncertain significance for Hereditary cancer-predisposing syndrome. Last evaluated: 2025-06-28. Review status: criteria provided, single submitter. Criteria: Ambry Variant Classification Scheme 2023. Collection method: clinical testing. Allele origin: germline.
Comment: The p.F160C variant (also known as c.479T>G), located in coding exon 3 of the MSH3 gene, results from a T to G substitution at nucleotide position 479. The phenylalanine at codon 160 is replaced by cysteine, an amino acid with highly dissimilar properties. This amino acid position is conserved. In addition, this alteration is predicted to be tolerated by in silico analysis. Based on the available evidence, the clinical significance of this variant remains unclear.

NM_002439.5(MSH3):c.479T>G (p.Phe160Cys)

Gene: MSH3 (mutS homolog 3; plus strand). Cytogenetic location: 5q14.1.
Variant type: single nucleotide variant.
Coding change: c.479T>G on transcript NM_002439.5 (MANE Select); coding-DNA position 479, T replaced by G.
Protein change: p.Phe160Cys; replaces phenylalanine 160 with cysteine.
Molecular consequence: missense variant.
Genome position (GRCh38, 1-based): chr5:80,665,263, T>G. VCF-style: chr5-80665263-T-G. GRCh37 (hg19) VCF-style: chr5-79961082-T-G.
Other names: c.479T>G (NM_002439.3); short protein forms F160C.
Identifiers: ClinVar variation 2089736 (VCV002089736.5), dbSNP rs989487112, ClinGen allele CA360263735.